The following is an entry in ClinVar:

ClinVar aggregate classification (germline): Uncertain significance (1 of 4 stars; one submission).

Conditions:
Charcot-Marie-Tooth disease type 2. Also called: Charcot-Marie-Tooth type 2. Identifiers: Orphanet 64746, MedGen C0270914, MONDO:0018993.

Allele frequency attached by ClinVar (database versions not stated): gnomAD exomes 0.00001.

Submission:

Labcorp Genetics (formerly Invitae), Labcorp
Classification: Uncertain significance for Charcot-Marie-Tooth disease type 2. Last evaluated: 2023-05-22. Review status: criteria provided, single submitter. Criteria: Invitae Variant Classification Sherloc (09022015). Collection method: clinical testing. Allele origin: germline.
Comment: In summary, the available evidence is currently insufficient to determine the role of this variant in disease. Therefore, it has been classified as a Variant of Uncertain Significance. Advanced modeling of protein sequence and biophysical properties (such as structural, functional, and spatial information, amino acid conservation, physicochemical variation, residue mobility, and thermodynamic stability) performed at Invitae indicates that this missense variant is not expected to disrupt AARS protein function. This variant has not been reported in the literature in individuals affected with AARS-related conditions. This variant is present in population databases (no rsID available, gnomAD 0.0009%). This sequence change replaces alanine, which is neutral and non-polar, with valine, which is neutral and non-polar, at codon 299 of the AARS protein (p.Ala299Val).

NM_001605.3(AARS1):c.896C>T (p.Ala299Val)

Gene: AARS1 (alanyl-tRNA synthetase 1; minus strand). Cytogenetic location: 16q22.1.
Variant type: single nucleotide variant.
Coding change: c.896C>T on transcript NM_001605.3 (MANE Select); coding-DNA position 896, C replaced by T.
Protein change: p.Ala299Val; replaces alanine 299 with valine.
Molecular consequence: missense variant.
Genome position (GRCh38, 1-based): chr16:70,269,684, G>A on the plus strand (C>T on the coding strand, the complement: AARS1 is on the minus strand). VCF-style: chr16-70269684-G-A. GRCh37 (hg19) VCF-style: chr16-70303587-G-A.
Other names: short protein forms A299V.
Identifiers: ClinVar variation 2731633 (VCV002731633.3), dbSNP rs1231184822, ClinGen allele CA396564640.
Genomic context (GRCh38, chr16:70,269,684, plus strand): 5'-CCTGTGTTGTCAGGCCGGCCACCATCAGCCAGTGCCACAGTGATGGTCCGAGCGTGGTCA[G>A]CCAGCACCCGGTAGGCCATGTCAATCCCATCGGCATCCTCAGCACCAACTTTCCCAGTGT-3'
Protein context (NP_001596.2, residues 289-309): DGIDMAYRVL[Ala299Val]DHARTITVAL